The following is an entry in ClinVar:

ClinVar aggregate classification (germline): Uncertain significance (1 of 4 stars; one submission).

Submission:

Labcorp Genetics (formerly Invitae), Labcorp
Classification: Uncertain significance. Last evaluated: 2022-03-19. Review status: criteria provided, single submitter. Criteria: Invitae Variant Classification Sherloc (09022015). Collection method: clinical testing. Allele origin: germline.
Comment: In summary, the available evidence is currently insufficient to determine the role of this variant in disease. Therefore, it has been classified as a Variant of Uncertain Significance. Algorithms developed to predict the effect of missense changes on protein structure and function output the following: SIFT: "Tolerated"; PolyPhen-2: "Benign"; Align-GVGD: "Class C0". The aspartic acid amino acid residue is found in multiple mammalian species, which suggests that this missense change does not adversely affect protein function. This sequence change replaces glutamic acid, which is acidic and polar, with aspartic acid, which is acidic and polar, at codon 439 of the TUBGCP4 protein (p.Glu439Asp). ClinVar contains an entry for this variant (Variation ID: 1013929). This variant has not been reported in the literature in individuals affected with TUBGCP4-related conditions. This variant is not present in population databases (gnomAD no frequency).

NM_014444.5(TUBGCP4):c.1314A>T (p.Glu438Asp)

Gene: TUBGCP4 (tubulin gamma complex component 4; plus strand). Cytogenetic location: 15q15.3.
Variant type: single nucleotide variant.
Coding change: c.1314A>T on transcript NM_014444.5 (MANE Select); coding-DNA position 1314, A replaced by T.
Protein change: p.Glu438Asp; replaces glutamic acid 438 with aspartic acid.
Molecular consequence: missense variant.
Genome position (GRCh38, 1-based): chr15:43,398,075, A>T. VCF-style: chr15-43398075-A-T. GRCh37 (hg19) VCF-style: chr15-43690273-A-T.
Other names: c.1317A>T, p.Glu439Asp (NM_001286414.3); short protein forms E438D, E439D.
Identifiers: ClinVar variation 1013929 (VCV001013929.8), dbSNP rs1251602277, ClinGen allele CA392132899.
Genomic context (GRCh38, chr15:43,398,075, plus strand): 5'-TTTTTTCTTTTCTTTTATCACAGCAGATGCTACTCAGGCAAGAGAAGGGCCTTCTCGGGA[A>T]ACTTCTCCCCGGGAAGCCCCTGCATCTGGCTGGGCAGCCCTAGGTCTTTCCTACAAAGTA-3'
Protein context (NP_055259.2, residues 428-448): ATQAREGPSR[Glu438Asp]TSPREAPASG